The following is an entry in ClinVar:

NM_001379029.1(CERT1):c.191G>T (p.Gly64Val)

Gene: CERT1 (ceramide transporter 1; minus strand). Cytogenetic location: 5q13.3.
Variant type: single nucleotide variant.
Coding change: c.191G>T on transcript NM_001379029.1 (MANE Select); coding-DNA position 191, G replaced by T.
Protein change: p.Gly64Val; replaces glycine 64 with valine.
Molecular consequence: missense variant.
Genome position (GRCh38, 1-based): chr5:75,506,022, C>A on the plus strand (G>T on the coding strand, the complement: CERT1 is on the minus strand). VCF-style: chr5-75506022-C-A. GRCh37 (hg19) VCF-style: chr5-74801847-C-A.
Other names: c.575G>T, p.Gly192Val (NM_001130105.1); c.191G>T, p.Gly64Val (NM_001379002.1, NM_001379003.1, NM_001379004.1 and 2 more transcripts); short protein forms G192V, G64V.
Identifiers: ClinVar variation 4532002 (VCV004532002.1).

ClinVar aggregate classification (germline): Likely pathogenic (1 of 4 stars; one submission).

Conditions:
Intellectual disability, autosomal dominant 34 (NEDHSF). Also called: INTELLECTUAL DEVELOPMENTAL DISORDER, AUTOSOMAL DOMINANT 34; Ceramide Transporter Syndrome; NEURODEVELOPMENTAL DISORDER WITH HYPOTONIA, SPEECH DELAY, AND DYSMORPHIC FACIES; CERTRA SYNDROME. Identifiers: MedGen C4225156, MONDO:0014599, OMIM 616351.

Submission:

Victorian Clinical Genetics Services, Murdoch Childrens Research Institute
Classification: Likely pathogenic for Intellectual disability, autosomal dominant 34. Last evaluated: 2025-06-19. Review status: criteria provided, single submitter. Criteria: ACMG Guidelines, 2015. Collection method: clinical testing. Allele origin: germline. Affected: yes.
Comment: This variant is classified as Likely pathogenic. Evidence in support of pathogenic classification: Variant is absent from gnomAD (v2, v3 and v4); Missense variant predicted to be damaging by in silico tool(s) or highly conserved with a major amino acid change; Additional information: Variant is predicted to result in a missense amino acid change from glycine to valine; This variant is heterozygous; This gene is associated with autosomal dominant disease; This variant has no previous evidence of pathogenicity; No published segregation evidence has been identified for this variant; No published functional evidence has been identified for this variant; No comparable missense variants have previous evidence for pathogenicity; Variant is located in the annotated PH domain (DECIPHER); Gain of function is a known mechanism of disease in this gene and is associated with autosomal dominant neurodevelopmental disorder with hypotonia, speech delay, and dysmorphic facies (MIM#616351); Variants in this gene are known to have variable expressivity (OMIM).